The following is an entry in ClinVar:

NM_005918.4(MDH2):c.671C>A (p.Thr224Lys)

Gene: MDH2 (malate dehydrogenase 2; plus strand). Cytogenetic location: 7q11.23.
Variant type: single nucleotide variant.
Coding change: c.671C>A on transcript NM_005918.4 (MANE Select); coding-DNA position 671, C replaced by A.
Protein change: p.Thr224Lys; replaces threonine 224 with lysine.
Molecular consequence: missense variant.
Genome position (GRCh38, 1-based): chr7:76,064,376, C>A. VCF-style: chr7-76064376-C-A. GRCh37 (hg19) VCF-style: chr7-75693694-C-A.
Other names: c.545C>A, p.Thr182Lys (NM_001282403.2); c.350C>A, p.Thr117Lys (NM_001282404.2); short protein forms T224K, T182K, T117K.
Identifiers: ClinVar variation 2447840 (VCV002447840.2), dbSNP rs1798036428, ClinGen allele CA367767367.
Genomic context (GRCh38, chr7:76,064,376, plus strand): 5'-TGATCCCATGGCTTGGCTTGCAGTGCACCCCCAAGGTGGACTTTCCCCAGGACCAGCTGA[C>A]AGCACTCACTGGGCGGATCCAGGAGGCCGGCACGGAGGTGGTCAAGGCTAAAGCCGGAGC-3'
Protein context (NP_005909.2, residues 214-234): PKVDFPQDQL[Thr224Lys]ALTGRIQEAG

ClinVar aggregate classification (germline): Uncertain significance (1 of 4 stars; one submission).

Conditions:
Inborn genetic diseases. Identifiers: MedGen C0950123, MeSH D030342.

Submission:

Ambry Genetics
Classification: Uncertain significance for Inborn genetic diseases. Last evaluated: 2023-02-05. Review status: criteria provided, single submitter. Criteria: Ambry Variant Classification Scheme 2023. Collection method: clinical testing. Allele origin: germline.
Comment: The p.T224K variant (also known as c.671C>A), located in coding exon 7 of the MDH2 gene, results from a C to A substitution at nucleotide position 671. The threonine at codon 224 is replaced by lysine, an amino acid with similar properties. This amino acid position is conserved. In addition, this alteration is predicted to be tolerated by in silico analysis. Since supporting evidence is limited at this time, the clinical significance of this alteration remains unclear.